The following is an entry in ClinVar:

ClinVar aggregate classification (germline): Uncertain significance (1 of 4 stars; one submission).

Conditions:
Hereditary nonpolyposis colorectal neoplasms. Identifiers: MedGen C0009405, MeSH D003123.

Submission:

Labcorp Genetics (formerly Invitae), Labcorp
Classification: Uncertain significance for Hereditary nonpolyposis colorectal neoplasms. Last evaluated: 2020-11-20. Review status: criteria provided, single submitter. Criteria: Invitae Variant Classification Sherloc (09022015). Collection method: clinical testing. Allele origin: germline.
Comment: In summary, the available evidence is currently insufficient to determine the role of this variant in disease. Therefore, it has been classified as a Variant of Uncertain Significance. Advanced modeling of protein sequence and biophysical properties (such as structural, functional, and spatial information, amino acid conservation, physicochemical variation, residue mobility, and thermodynamic stability) performed at Invitae indicates that this missense variant is not expected to disrupt MSH6 protein function. This variant has not been reported in the literature in individuals with MSH6-related conditions. This variant is not present in population databases (ExAC no frequency). This sequence change replaces isoleucine with methionine at codon 258 of the MSH6 protein (p.Ile258Met). The isoleucine residue is weakly conserved and there is a small physicochemical difference between isoleucine and methionine.

NM_000179.3(MSH6):c.774T>G (p.Ile258Met)

Gene: MSH6 (mutS homolog 6; plus strand). Cytogenetic location: 2p16.3.
Variant type: single nucleotide variant.
Coding change: c.774T>G on transcript NM_000179.3 (MANE Select); coding-DNA position 774, T replaced by G.
Protein change: p.Ile258Met; replaces isoleucine 258 with methionine.
Molecular consequence: missense variant. On other transcripts: 5 prime UTR variant (2).
Genome position (GRCh38, 1-based): chr2:47,798,757, T>G. VCF-style: chr2-47798757-T-G. GRCh37 (hg19) VCF-style: chr2-48025896-T-G.
Other names: c.384T>G, p.Ile128Met (NM_001281492.2); c.-133T>G (NM_001281493.2, NM_001281494.2); short protein forms I258M, I128M.
Identifiers: ClinVar variation 1470280 (VCV001470280.8), dbSNP rs1669254639, ClinGen allele CA346740221.